The following is an entry in ClinVar:

NM_006929.5(SKIC2):c.1529G>A (p.Arg510Gln)

Gene: SKIC2 (SKI2 subunit of superkiller complex; plus strand). Cytogenetic location: 6p21.33.
Variant type: single nucleotide variant.
Coding change: c.1529G>A on transcript NM_006929.5 (MANE Select); coding-DNA position 1529, G replaced by A.
Protein change: p.Arg510Gln; replaces arginine 510 with glutamine.
Molecular consequence: missense variant.
Genome position (GRCh38, 1-based): chr6:31,963,538, G>A. VCF-style: chr6-31963538-G-A. GRCh37 (hg19) VCF-style: chr6-31931315-G-A.
Other names: c.1529G>A (NM_006929.4); short protein forms R510Q.
Identifiers: ClinVar variation 1463690 (VCV001463690.6), dbSNP rs1265825486, ClinGen allele CA363458005.
Genomic context (GRCh38, chr6:31,963,538, plus strand): 5'-ATCTTTTCACAGGGAACAGCTCCAAGACCCAGGGGGAGCTCTTTTTGTTGCTGGACTCCC[G>A]AGGAGCCTTCCATACAAAAGGGTAAGCCTCGAGATGGGGGAAAGAGTTAGGGCTGGGCCC-3'
Protein context (NP_008860.4, residues 500-520): QGELFLLLDS[Arg510Gln]GAFHTKGYYA

ClinVar aggregate classification (germline): Uncertain significance. Review status: criteria provided, multiple submitters, no conflicts (2 of 4 stars). 2 submissions from 2 submitters: Uncertain significance (2). Last evaluated 2022-10-05.

Conditions:
Inborn genetic diseases. Identifiers: MedGen C0950123, MeSH D030342.

Allele frequency attached by ClinVar (database versions not stated): TOPMed below 0.00001; gnomAD 0.00001; gnomAD exomes 0.00001.
gnomAD v4.1: 14 of 1,593,226 alleles (0.00088%); highest among the groups gnomAD compares: South Asian, 0.0011%; no homozygotes.

Submissions (2):

Labcorp Genetics (formerly Invitae), Labcorp
Classification: Uncertain significance. Last evaluated: 2022-10-05. Review status: criteria provided, single submitter. Criteria: Invitae Variant Classification Sherloc (09022015). Collection method: clinical testing. Allele origin: germline.
Comment: This sequence change replaces arginine, which is basic and polar, with glutamine, which is neutral and polar, at codon 510 of the SKIV2L protein (p.Arg510Gln). This variant is present in population databases (no rsID available, gnomAD 0.002%). This variant has not been reported in the literature in individuals affected with SKIV2L-related conditions. ClinVar contains an entry for this variant (Variation ID: 1463690). Algorithms developed to predict the effect of missense changes on protein structure and function (SIFT, PolyPhen-2, Align-GVGD) all suggest that this variant is likely to be tolerated. In summary, the available evidence is currently insufficient to determine the role of this variant in disease. Therefore, it has been classified as a Variant of Uncertain Significance.

Ambry Genetics
Classification: Uncertain significance for Inborn genetic diseases. Last evaluated: 2021-07-20. Review status: criteria provided, single submitter. Criteria: Ambry Variant Classification Scheme 2023. Collection method: clinical testing. Allele origin: germline.